The following is an entry in ClinVar:

ClinVar aggregate classification (germline): Uncertain significance (1 of 4 stars; one submission).

Conditions:
Ectodermal dysplasia and immunodeficiency 2. Identifiers: Orphanet 238468, Orphanet 98813, MedGen C2677481, MONDO:0012806, OMIM 612132.

gnomAD v4.1: 4 of 1,577,122 alleles (0.00025%); highest among the groups gnomAD compares: Non-Finnish European, 0.00034%; no homozygotes.

Submission:

Labcorp Genetics (formerly Invitae), Labcorp
Classification: Uncertain significance for Ectodermal dysplasia and immunodeficiency 2. Last evaluated: 2022-09-01. Review status: criteria provided, single submitter. Criteria: Invitae Variant Classification Sherloc (09022015). Collection method: clinical testing. Allele origin: germline.
Comment: In summary, the available evidence is currently insufficient to determine the role of this variant in disease. Therefore, it has been classified as a Variant of Uncertain Significance. Algorithms developed to predict the effect of missense changes on protein structure and function (SIFT, PolyPhen-2, Align-GVGD) all suggest that this variant is likely to be tolerated. This variant has not been reported in the literature in individuals affected with NFKBIA-related conditions. The frequency data for this variant in the population databases is considered unreliable, as metrics indicate poor data quality at this position in the gnomAD database. This sequence change replaces arginine, which is basic and polar, with histidine, which is basic and polar, at codon 17 of the NFKBIA protein (p.Arg17His).

NM_020529.3(NFKBIA):c.50G>A (p.Arg17His)

Genes: NFKBIA (NFKB inhibitor alpha; minus strand), LOC130055497 (ATAC-STARR-seq lymphoblastoid silent region 5676; plus strand). Cytogenetic location: 14q13.2.
Variant type: single nucleotide variant.
Coding change: c.50G>A on transcript NM_020529.3 (MANE Select); coding-DNA position 50, G replaced by A.
Protein change: p.Arg17His; replaces arginine 17 with histidine.
Molecular consequence: missense variant.
Genome position (GRCh38, 1-based): chr14:35,404,595, C>T on the plus strand (G>A on the coding strand, the complement: NFKBIA is on the minus strand). VCF-style: chr14-35404595-C-T. GRCh37 (hg19) VCF-style: chr14-35873801-C-T.
Other names: short protein forms R17H.
Identifiers: ClinVar variation 1974617 (VCV001974617.5), dbSNP rs1347828578, ClinGen allele CA389455423.
Genomic context (GRCh38, chr14:35,404,595, plus strand): 5'-ATGGAGTCCAGGCCGCTGTCGTGGCGGTCGTCCAGTAGCCGCTCCTTCTTCAGCCCGTCG[C>T]GGGGGCCCTCCATGGCCCACTCCTGGGGGCGCTCGGCCGCCTGGAACATGGCGCGGACGA-3'
Protein context (NP_065390.1, residues 7-27): RPQEWAMEGP[Arg17His]DGLKKERLLD